The following is an entry in ClinVar:

NM_001098426.2(SMARCD2):c.402G>A (p.Gly134=)

Gene: SMARCD2 (SWI/SNF related BAF chromatin remodeling complex subunit D2; minus strand). Cytogenetic location: 17q23.3.
Variant type: single nucleotide variant.
Coding change: c.402G>A on transcript NM_001098426.2 (MANE Select); coding-DNA position 402, G replaced by A.
Protein change: p.Gly134=; no amino-acid change (glycine 134 retained).
Molecular consequence: synonymous variant.
Genome position (GRCh38, 1-based): chr17:63,837,237, C>T on the plus strand (G>A on the coding strand, the complement: SMARCD2 is on the minus strand). VCF-style: chr17-63837237-C-T. GRCh37 (hg19) VCF-style: chr17-61914597-C-T.
Other names: c.177G>A, p.Gly59= (NM_001330439.1); c.258G>A, p.Gly86= (NM_001330440.2).
Identifiers: ClinVar variation 2001241 (VCV002001241.3), dbSNP rs2040277077, ClinGen allele CA501202263.

ClinVar aggregate classification (germline): Uncertain significance (1 of 4 stars; one submission).

Allele frequency attached by ClinVar (database versions not stated): gnomAD exomes below 0.00001.
gnomAD v4.1: 1 of 1,613,676 alleles (0.000062%); highest among the groups gnomAD compares: South Asian, 0.0011%; no homozygotes.

Submission:

Labcorp Genetics (formerly Invitae), Labcorp
Classification: Uncertain significance. Last evaluated: 2022-05-30. Review status: criteria provided, single submitter. Criteria: Invitae Variant Classification Sherloc (09022015). Collection method: clinical testing. Allele origin: germline.
Comment: In summary, the available evidence is currently insufficient to determine the role of this variant in disease. Therefore, it has been classified as a Variant of Uncertain Significance. Algorithms developed to predict the effect of sequence changes on RNA splicing suggest that this variant is not likely to affect RNA splicing. This variant has not been reported in the literature in individuals affected with SMARCD2-related conditions. This variant is not present in population databases (gnomAD no frequency). This sequence change affects codon 134 of the SMARCD2 mRNA. It is a 'silent' change, meaning that it does not change the encoded amino acid sequence of the SMARCD2 protein. It affects a nucleotide within the consensus splice site.